The following is an entry in ClinVar:

ClinVar aggregate classification (germline): Uncertain significance (1 of 4 stars; one submission).

Allele frequency attached by ClinVar (database versions not stated): gnomAD exomes below 0.00001.

Submission:

Labcorp Genetics (formerly Invitae), Labcorp
Classification: Uncertain significance. Last evaluated: 2022-08-15. Review status: criteria provided, single submitter. Criteria: Invitae Variant Classification Sherloc (09022015). Collection method: clinical testing. Allele origin: germline.
Comment: This sequence change replaces serine, which is neutral and polar, with proline, which is neutral and non-polar, at codon 178 of the LRAT protein (p.Ser178Pro). This variant is not present in population databases (gnomAD no frequency). This variant has not been reported in the literature in individuals affected with LRAT-related conditions. ClinVar contains an entry for this variant (Variation ID: 1027347). Algorithms developed to predict the effect of missense changes on protein structure and function (SIFT, PolyPhen-2, Align-GVGD) all suggest that this variant is likely to be tolerated. In summary, the available evidence is currently insufficient to determine the role of this variant in disease. Therefore, it has been classified as a Variant of Uncertain Significance.

NM_004744.5(LRAT):c.532T>C (p.Ser178Pro)

Gene: LRAT (lecithin retinol acyltransferase; plus strand). Cytogenetic location: 4q32.1.
Variant type: single nucleotide variant.
Coding change: c.532T>C on transcript NM_004744.5 (MANE Select); coding-DNA position 532, T replaced by C.
Protein change: p.Ser178Pro; replaces serine 178 with proline.
Molecular consequence: missense variant.
Genome position (GRCh38, 1-based): chr4:154,744,858, T>C. VCF-style: chr4-154744858-T-C. GRCh37 (hg19) VCF-style: chr4-155666010-T-C.
Other names: c.532T>C, p.Ser178Pro (NM_001301645.2); short protein forms S178P.
Identifiers: ClinVar variation 1027347 (VCV001027347.6), dbSNP rs1732850474, ClinGen allele CA358630891.